The following is an entry in ClinVar:

NM_015178.3(RHOBTB2):c.1899C>G (p.His633Gln)

Gene: RHOBTB2 (Rho related BTB domain containing 2; plus strand). Cytogenetic location: 8p21.3.
Variant type: single nucleotide variant.
Coding change: c.1899C>G on transcript NM_015178.3 (MANE Select); coding-DNA position 1899, C replaced by G.
Protein change: p.His633Gln; replaces histidine 633 with glutamine.
Molecular consequence: missense variant.
Genome position (GRCh38, 1-based): chr8:23,015,676, C>G. VCF-style: chr8-23015676-C-G. GRCh37 (hg19) VCF-style: chr8-22873189-C-G.
Other names: c.1965C>G, p.His655Gln (NM_001160036.2); c.1920C>G, p.His640Gln (NM_001160037.2); c.1899C>G, p.His633Gln (NM_001374791.1); short protein forms H655Q, H640Q, H633Q.
Identifiers: ClinVar variation 2126071 (VCV002126071.4), dbSNP rs2487050744, ClinGen allele CA370575701.

ClinVar aggregate classification (germline): Uncertain significance (1 of 4 stars; one submission).

Submission:

Labcorp Genetics (formerly Invitae), Labcorp
Classification: Uncertain significance. Last evaluated: 2022-08-15. Review status: criteria provided, single submitter. Criteria: Invitae Variant Classification Sherloc (09022015). Collection method: clinical testing. Allele origin: germline.
Comment: This sequence change replaces histidine, which is basic and polar, with glutamine, which is neutral and polar, at codon 655 of the RHOBTB2 protein (p.His655Gln). This variant is not present in population databases (gnomAD no frequency). This variant has not been reported in the literature in individuals affected with RHOBTB2-related conditions. Algorithms developed to predict the effect of missense changes on protein structure and function are either unavailable or do not agree on the potential impact of this missense change (SIFT: "Deleterious"; PolyPhen-2: "Probably Damaging"; Align-GVGD: "Class C0"). In summary, the available evidence is currently insufficient to determine the role of this variant in disease. Therefore, it has been classified as a Variant of Uncertain Significance.